The following is an entry in ClinVar:

ClinVar aggregate classification (germline): Uncertain significance (1 of 4 stars; one submission).

Submission:

Labcorp Genetics (formerly Invitae), Labcorp
Classification: Uncertain significance. Last evaluated: 2025-10-01. Review status: criteria provided, single submitter. Criteria: Invitae Variant Classification Sherloc (09022015). Collection method: clinical testing. Allele origin: germline.
Comment: This sequence change replaces leucine, which is neutral and non-polar, with valine, which is neutral and non-polar, at codon 1213 of the SAMD9 protein (p.Leu1213Val). This variant is not present in population databases (gnomAD no frequency). This variant has not been reported in the literature in individuals affected with SAMD9-related conditions. Invitae Evidence Modeling of protein sequence and biophysical properties (such as structural, functional, and spatial information, amino acid conservation, physicochemical variation, residue mobility, and thermodynamic stability) indicates that this missense variant is not expected to disrupt SAMD9 protein function with a negative predictive value of 95%. In summary, the available evidence is currently insufficient to determine the role of this variant in disease. Therefore, it has been classified as a Variant of Uncertain Significance.

NM_017654.4(SAMD9):c.3637C>G (p.Leu1213Val)

Gene: SAMD9 (sterile alpha motif domain containing 9; minus strand). Cytogenetic location: 7q21.2.
Variant type: single nucleotide variant.
Coding change: c.3637C>G on transcript NM_017654.4 (MANE Select); coding-DNA position 3637, C replaced by G.
Protein change: p.Leu1213Val; replaces leucine 1213 with valine.
Molecular consequence: missense variant.
Genome position (GRCh38, 1-based): chr7:93,102,461, G>C on the plus strand (C>G on the coding strand, the complement: SAMD9 is on the minus strand). VCF-style: chr7-93102461-G-C. GRCh37 (hg19) VCF-style: chr7-92731774-G-C.
Other names: c.3637C>G, p.Leu1213Val (NM_001193307.2); short protein forms L1213V.
Identifiers: ClinVar variation 4802473 (VCV004802473.1).